The following is an entry in ClinVar:

NM_002335.4(LRP5):c.198C>T (p.Ala66=)

Gene: LRP5 (LDL receptor related protein 5; plus strand). Cytogenetic location: 11q13.2.
Variant type: single nucleotide variant.
Coding change: c.198C>T on transcript NM_002335.4 (MANE Select); coding-DNA position 198, C replaced by T.
Protein change: p.Ala66=; no amino-acid change (alanine 66 retained).
Molecular consequence: synonymous variant. On other transcripts: 5 prime UTR variant (1).
Genome position (GRCh38, 1-based): chr11:68,347,953, C>T. VCF-style: chr11-68347953-C-T. GRCh37 (hg19) VCF-style: chr11-68115421-C-T.
Other names: c.-1568C>T (NM_001291902.2); c.198C>T (NM_002335.3).
Identifiers: ClinVar variation 1533250 (VCV001533250.10), dbSNP rs763664158, ClinGen allele CA6148931.

ClinVar aggregate classification (germline): Likely benign. Review status: criteria provided, multiple submitters, no conflicts (2 of 4 stars). 3 submissions from 3 submitters: Likely benign (2). 1 of the submissions does not count toward it. Last evaluated 2022-10-26.

Conditions:
LRP5-related disorder. Also called: LRP5-related condition.

Allele frequency attached by ClinVar (database versions not stated): TOPMed 0.00001; gnomAD 0.00002; gnomAD exomes 0.00004 and 0.00006; ExAC 0.00005.
gnomAD v4.1: 89 of 1,613,964 alleles (0.0055%); highest among the groups gnomAD compares: East Asian, 0.013%; no homozygotes.

Submissions (3):

Blueprint Genetics
Classification: Likely benign. Last evaluated: 2022-10-26. Review status: criteria provided, single submitter. Criteria: ACMG Guidelines, 2015. Collection method: clinical testing. Allele origin: germline.

Labcorp Genetics (formerly Invitae), Labcorp
Classification: Likely benign. Last evaluated: 2021-06-03. Review status: criteria provided, single submitter. Criteria: Invitae Variant Classification Sherloc (09022015). Collection method: clinical testing. Allele origin: germline.

PreventionGenetics, part of Exact Sciences
Classification: Likely benign for LRP5-related condition. Last evaluated: 2024-09-25. Review status: no assertion criteria provided. Collection method: clinical testing. Allele origin: germline. Not counted in ClinVar's aggregate classification.
Comment: This variant is classified as likely benign based on ACMG/AMP sequence variant interpretation guidelines (Richards et al. 2015 PMID: 25741868, with internal and published modifications).